The following is an entry in ClinVar:

NM_017739.4(POMGNT1):c.110G>T (p.Arg37Ile)

Gene: POMGNT1 (protein O-linked mannose N-acetylglucosaminyltransferase 1 (beta 1,2-); minus strand). Cytogenetic location: 1p34.1.
Variant type: single nucleotide variant.
Coding change: c.110G>T on transcript NM_017739.4 (MANE Select); coding-DNA position 110, G replaced by T.
Protein change: p.Arg37Ile; replaces arginine 37 with isoleucine.
Molecular consequence: missense variant.
Genome position (GRCh38, 1-based): chr1:46,197,712, C>A on the plus strand (G>T on the coding strand, the complement: POMGNT1 is on the minus strand). VCF-style: chr1-46197712-C-A. GRCh37 (hg19) VCF-style: chr1-46663384-C-A.
Other names: c.110G>T, p.Arg37Ile (NM_001243766.2); short protein forms R37I.
Identifiers: ClinVar variation 1472448 (VCV001472448.6), dbSNP rs144746222, ClinGen allele CA833881.

ClinVar aggregate classification (germline): Uncertain significance (1 of 4 stars; one submission).

Conditions:
Autosomal recessive limb-girdle muscular dystrophy type 2O. Also called: Limb-Girdle Muscular Dystrophy Type 3C; MUSCULAR DYSTROPHY-DYSTROGLYCANOPATHY (LIMB-GIRDLE), TYPE C, 3; MUSCULAR DYSTROPHY-DYSTROGLYCANOPATHY, LIMB-GIRDLE, POMGNT1-RELATED. Identifiers: Orphanet 206564, MedGen C3150417, MONDO:0013161, OMIM 613157.
Muscular dystrophy-dystroglycanopathy (congenital with impaired intellectual development), type B, 3. Also called: Muscular dystrophy-dystroglycanopathy (congenital with intellectual disability), type B3; MUSCULAR DYSTROPHY, CONGENITAL, POMGNT1-RELATED. Identifiers: MedGen C3150412, MONDO:0013155, OMIM 613151.

Allele frequency attached by ClinVar (database versions not stated): ExAC 0.00001; gnomAD exomes 0.00001 and 0.00002; 1000 Genomes Project 30x 0.00016; gnomAD 0.00001; 1000 Genomes Project 0.00020.
gnomAD v4.1: 23 of 1,614,144 alleles (0.0014%); highest among the groups gnomAD compares: Non-Finnish European, 0.0019%; no homozygotes.

Submission:

Labcorp Genetics (formerly Invitae), Labcorp
Classification: Uncertain significance for Autosomal recessive limb-girdle muscular dystrophy type 2O; Muscular dystrophy-dystroglycanopathy (congenital with impaired intellectual development), type B, 3. Last evaluated: 2025-05-12. Review status: criteria provided, single submitter. Criteria: Invitae Variant Classification Sherloc (09022015). Collection method: clinical testing. Allele origin: germline.
Comment: This sequence change replaces arginine, which is basic and polar, with isoleucine, which is neutral and non-polar, at codon 37 of the POMGNT1 protein (p.Arg37Ile). This variant is present in population databases (rs144746222, gnomAD 0.002%). This variant has not been reported in the literature in individuals affected with POMGNT1-related conditions. ClinVar contains an entry for this variant (Variation ID: 1472448). Invitae Evidence Modeling of protein sequence and biophysical properties (such as structural, functional, and spatial information, amino acid conservation, physicochemical variation, residue mobility, and thermodynamic stability) indicates that this missense variant is not expected to disrupt POMGNT1 protein function with a negative predictive value of 95%. In summary, the available evidence is currently insufficient to determine the role of this variant in disease. Therefore, it has been classified as a Variant of Uncertain Significance.